The following is an entry in ClinVar:

NM_144643.4(SCLT1):c.20_23del (p.Asp6_Phe7insTer)

Gene: SCLT1 (sodium channel and clathrin linker 1; minus strand). Cytogenetic location: 4q28.2.
Variant type: Deletion.
Coding change: c.20_23del on transcript NM_144643.4 (MANE Select); coding-DNA positions 20 to 23, 4 bases deleted (TTCT; older notation c.20_23delTTCT).
Protein change: p.Asp6_Phe7insTer.
Molecular consequence: nonsense.
Genome position (GRCh38, 1-based): chr4:129,093,081-129,093,084, AGAA deleted on the plus strand (TTCT on the coding strand, the reverse complement: SCLT1 is on the minus strand); deleting any 4 consecutive bases within chr4:129,093,081-129,093,086 gives the same sequence; the c. name uses the placement nearest the transcript's 3' end. VCF-style (leftmost placement, unchanged base first): chr4-129093080-CAGAA-C. GRCh37 (hg19) VCF-style: chr4-130014235-CAGAA-C.
Other names: c.20_23del, p.Asp6_Phe7insTer (NM_001300897.2, NM_001300898.2).
Identifiers: ClinVar variation 1441458 (VCV001441458.6), dbSNP rs2125793456, ClinGen allele CA2573138020.

ClinVar aggregate classification (germline): Pathogenic (1 of 4 stars; one submission).

Submission:

Labcorp Genetics (formerly Invitae), Labcorp
Classification: Pathogenic. Last evaluated: 2022-08-31. Review status: criteria provided, single submitter. Criteria: Invitae Variant Classification Sherloc (09022015). Collection method: clinical testing. Allele origin: germline.
Comment: ClinVar contains an entry for this variant (Variation ID: 1441458). This variant has not been reported in the literature in individuals affected with SCLT1-related conditions. This variant is not present in population databases (gnomAD no frequency). This sequence change creates a premature translational stop signal (p.Phe7*) in the SCLT1 gene. It is expected to result in an absent or disrupted protein product. Loss-of-function variants in SCLT1 are known to be pathogenic (PMID: 28005958). For these reasons, this variant has been classified as Pathogenic.

Literature cited by the submitters: PubMed 28005958.